The following is an entry in ClinVar:

ClinVar aggregate classification (germline): Uncertain significance (1 of 4 stars; one submission).

Allele frequency attached by ClinVar (database versions not stated): gnomAD exomes below 0.00001; ExAC 0.00001; gnomAD 0.00001; TOPMed 0.00003.
gnomAD v4.1: 6 of 1,573,932 alleles (0.00038%); highest among the groups gnomAD compares: Admixed American, 0.01%; no homozygotes.

Submission:

Labcorp Genetics (formerly Invitae), Labcorp
Classification: Uncertain significance. Last evaluated: 2022-04-09. Review status: criteria provided, single submitter. Criteria: Invitae Variant Classification Sherloc (09022015). Collection method: clinical testing. Allele origin: germline.
Comment: This sequence change replaces threonine, which is neutral and polar, with isoleucine, which is neutral and non-polar, at codon 93 of the SLIT2 protein (p.Thr93Ile). In summary, the available evidence is currently insufficient to determine the role of this variant in disease. Therefore, it has been classified as a Variant of Uncertain Significance. Algorithms developed to predict the effect of missense changes on protein structure and function are either unavailable or do not agree on the potential impact of this missense change (SIFT: "Tolerated"; PolyPhen-2: "Possibly Damaging"; Align-GVGD: "Class C0"). This variant has not been reported in the literature in individuals affected with SLIT2-related conditions. This variant is present in population databases (rs201818440, gnomAD 0.02%).

NM_004787.4(SLIT2):c.278C>T (p.Thr93Ile)

Gene: SLIT2 (slit guidance ligand 2; plus strand). Cytogenetic location: 4p15.31.
Variant type: single nucleotide variant.
Coding change: c.278C>T on transcript NM_004787.4 (MANE Select); coding-DNA position 278, C replaced by T.
Protein change: p.Thr93Ile; replaces threonine 93 with isoleucine.
Molecular consequence: missense variant.
Genome position (GRCh38, 1-based): chr4:20,257,894, C>T. VCF-style: chr4-20257894-C-T. GRCh37 (hg19) VCF-style: chr4-20259517-C-T.
Other names: c.278C>T, p.Thr93Ile (NM_001289135.3, NM_001289136.3); short protein forms T93I.
Identifiers: ClinVar variation 2175348 (VCV002175348.4), dbSNP rs201818440, ClinGen allele CA2871030.